The following is an entry in ClinVar:

ClinVar aggregate classification (germline): Uncertain significance (1 of 4 stars; one submission).

Allele frequency attached by ClinVar (database versions not stated): TOPMed below 0.00001; gnomAD exomes 0.00001.
gnomAD v4.1: 11 of 1,571,782 alleles (0.0007%); highest among the groups gnomAD compares: South Asian, 0.0023%; no homozygotes.

Submission:

Labcorp Genetics (formerly Invitae), Labcorp
Classification: Uncertain significance. Last evaluated: 2023-08-17. Review status: criteria provided, single submitter. Criteria: Invitae Variant Classification Sherloc (09022015). Collection method: clinical testing. Allele origin: germline.
Comment: In summary, the available evidence is currently insufficient to determine the role of this variant in disease. Therefore, it has been classified as a Variant of Uncertain Significance. Algorithms developed to predict the effect of sequence changes on RNA splicing suggest that this variant may create or strengthen a splice site. An algorithm developed to predict the effect of missense changes on protein structure and function (PolyPhen-2) suggests that this variant is likely to be disruptive. ClinVar contains an entry for this variant (Variation ID: 577196). This variant has not been reported in the literature in individuals affected with C21orf59-related conditions. This variant is present in population databases (no rsID available, gnomAD 0.004%). This sequence change replaces tyrosine, which is neutral and polar, with cysteine, which is neutral and slightly polar, at codon 35 of the C21orf59 protein (p.Tyr35Cys).

NM_021254.4(CFAP298):c.104A>G (p.Tyr35Cys)

Genes: CFAP298-TCP10L (CFAP298-TCP10L readthrough; minus strand), CFAP298 (cilia and flagella associated protein 298; minus strand). Cytogenetic location: 21q22.11.
Variant type: single nucleotide variant.
Coding change: c.104A>G on transcript NM_021254.4 (MANE Select); coding-DNA position 104, A replaced by G.
Protein change: p.Tyr35Cys; replaces tyrosine 35 with cysteine.
Molecular consequence: missense variant. On other transcripts: non-coding transcript variant (2), 5 prime UTR variant (1).
Genome position (GRCh38, 1-based): chr21:32,612,140, T>C on the plus strand (A>G on the coding strand, the complement: CFAP298 is on the minus strand). VCF-style: chr21-32612140-T-C. GRCh37 (hg19) VCF-style: chr21-33984450-T-C.
Other names: c.104A>G, p.Tyr35Cys (NM_001350338.2, NM_001350335.2, NM_001350336.2 and 1 more transcripts); c.-126A>G (NM_001350334.2); short protein forms Y35C.
Identifiers: ClinVar variation 577196 (VCV000577196.9), dbSNP rs1296295200, ClinGen allele CA410076663.